The following is an entry in ClinVar:

NM_201548.5(CERKL):c.497C>G (p.Pro166Arg)

Gene: CERKL (CERK like autophagy regulator; minus strand). Cytogenetic location: 2q31.3.
Variant type: single nucleotide variant.
Coding change: c.497C>G on transcript NM_201548.5 (MANE Select); coding-DNA position 497, C replaced by G.
Protein change: p.Pro166Arg; replaces proline 166 with arginine.
Molecular consequence: missense variant. On other transcripts: non-coding transcript variant (1), intron variant (2).
Genome position (GRCh38, 1-based): chr2:181,573,869, G>C on the plus strand (C>G on the coding strand, the complement: CERKL is on the minus strand). VCF-style: chr2-181573869-G-C. GRCh37 (hg19) VCF-style: chr2-182438596-G-C.
Other names: c.497C>G, p.Pro166Arg (NM_001030311.3, NM_001030313.3); c.482-24161C>G (NM_001030312.3); c.482-7748C>G (NM_001160277.2); short protein forms P166R.
Identifiers: ClinVar variation 1034694 (VCV001034694.8), dbSNP rs1344137236, ClinGen allele CA349744247.

ClinVar aggregate classification (germline): Likely pathogenic (1 of 4 stars; one submission).

Submission:

Labcorp Genetics (formerly Invitae), Labcorp
Classification: Likely pathogenic. Last evaluated: 2025-04-17. Review status: criteria provided, single submitter. Criteria: Invitae Variant Classification Sherloc (09022015). Collection method: clinical testing. Allele origin: germline.
Comment: This sequence change replaces proline, which is neutral and non-polar, with arginine, which is basic and polar, at codon 166 of the CERKL protein (p.Pro166Arg). This variant is not present in population databases (gnomAD no frequency). This variant has not been reported in the literature in individuals affected with CERKL-related conditions. ClinVar contains an entry for this variant (Variation ID: 1034694). Invitae Evidence Modeling of protein sequence and biophysical properties (such as structural, functional, and spatial information, amino acid conservation, physicochemical variation, residue mobility, and thermodynamic stability) indicates that this missense variant is expected to disrupt CERKL protein function with a positive predictive value of 95%. This variant disrupts the p.Pro166 amino acid residue in CERKL. Other variant(s) that disrupt this residue have been determined to be pathogenic (internal data). This suggests that this residue is clinically significant, and that variants that disrupt this residue are likely to be disease-causing. In summary, the currently available evidence indicates that the variant is pathogenic, but additional data are needed to prove that conclusively. Therefore, this variant has been classified as Likely Pathogenic.